The following is an entry in ClinVar:

NM_005186.4(CAPN1):c.552C>T (p.Asn184=)

Gene: CAPN1 (calpain 1; plus strand). Cytogenetic location: 11q13.1.
Variant type: single nucleotide variant.
Coding change: c.552C>T on transcript NM_005186.4 (MANE Select); coding-DNA position 552, C replaced by T.
Protein change: p.Asn184=; no amino-acid change (asparagine 184 retained).
Molecular consequence: synonymous variant. On other transcripts: non-coding transcript variant (1).
Genome position (GRCh38, 1-based): chr11:65,186,012, C>T. VCF-style: chr11-65186012-C-T. GRCh37 (hg19) VCF-style: chr11-64953483-C-T.
Other names: c.552C>T, p.Asn184= (NM_001198868.2, NM_001198869.2).
Identifiers: ClinVar variation 3357283 (VCV003357283.2).
Genomic context (GRCh38, chr11:65,186,012, plus strand): 5'-GGATGACCTGCTGCCCATCAAGGACGGGAAGCTAGTGTTCGTGCACTCTGCCGAAGGCAA[C>T]GAGTTCTGGAGCGCCCTGCTTGAGAAGGCCTATGCCAAGTGAGTAGCGGCTGAGGGGGCA-3'
Protein context (NP_005177.2, residues 174-194): KLVFVHSAEG[Asn184=]EFWSALLEKA

ClinVar aggregate classification (germline): Likely benign. Review status: criteria provided, single submitter (1 of 4 stars). 2 submissions from 2 submitters: Likely benign (1). 1 of the submissions does not count toward it. Last evaluated 2023-12-12.

Conditions:
CAPN1-related disorder. Also called: CAPN1-related condition.

gnomAD v4.1: 3 of 1,610,556 alleles (0.00019%); highest among the groups gnomAD compares: Admixed American, 0.0017%; no homozygotes.

Submissions (2):

Blueprint Genetics
Classification: Likely benign. Last evaluated: 2023-12-12. Review status: criteria provided, single submitter. Criteria: ACMG Guidelines, 2015. Collection method: clinical testing. Allele origin: germline.

PreventionGenetics, part of Exact Sciences
Classification: Likely benign for CAPN1-related condition. Last evaluated: 2019-09-04. Review status: no assertion criteria provided. Collection method: clinical testing. Allele origin: germline. Not counted in ClinVar's aggregate classification.
Comment: This variant is classified as likely benign based on ACMG/AMP sequence variant interpretation guidelines (Richards et al. 2015 PMID: 25741868, with internal and published modifications).